The following is an entry in ClinVar:

NM_001286.5(CLCN6):c.1003G>T (p.Gly335Cys)

Gene: CLCN6 (chloride voltage-gated channel 6; plus strand). Cytogenetic location: 1p36.22.
Variant type: single nucleotide variant.
Coding change: c.1003G>T on transcript NM_001286.5 (MANE Select); coding-DNA position 1003, G replaced by T.
Protein change: p.Gly335Cys; replaces glycine 335 with cysteine.
Molecular consequence: missense variant. On other transcripts: non-coding transcript variant (1).
Genome position (GRCh38, 1-based): chr1:11,828,506, G>T. VCF-style: chr1-11828506-G-T. GRCh37 (hg19) VCF-style: chr1-11888563-G-T.
Other names: c.937G>T, p.Gly313Cys (NM_001256959.2); c.1003G>T (NM_001286.2); short protein forms G335C, G313C.
Identifiers: ClinVar variation 1520294 (VCV001520294.9), dbSNP rs917506820, ClinGen allele CA17997775.
Genomic context (GRCh38, chr1:11,828,506, plus strand): 5'-CCCTTCTCTCAGTGCTCTGACTCTGATAAAAAATGTCATCTCTGGACAGCTATGGATTTG[G>T]GTTTCTTCGTCGTGATGGGGGTCATTGGGGGCCTCCTGGGAGCCACATTCAACTGTCTGA-3'
Protein context (NP_001277.2, residues 325-345): KCHLWTAMDL[Gly335Cys]FFVVMGVIGG

ClinVar aggregate classification (germline): Uncertain significance. Review status: criteria provided, multiple submitters, no conflicts (2 of 4 stars). 2 submissions from 2 submitters: Uncertain significance (2). Last evaluated 2025-09-05.

Allele frequency attached by ClinVar (database versions not stated): gnomAD exomes 0.00001; TOPMed 0.00003.
gnomAD v4.1: 11 of 1,613,978 alleles (0.00068%); highest among the groups gnomAD compares: African/African-American, 0.015%; no homozygotes.

Submissions (2):

Ambry Genetics
Classification: Uncertain significance. Last evaluated: 2025-09-05. Review status: criteria provided, single submitter. Criteria: Ambry Variant Classification Scheme 2023. Collection method: clinical testing. Allele origin: germline.

Labcorp Genetics (formerly Invitae), Labcorp
Classification: Uncertain significance. Last evaluated: 2025-05-22. Review status: criteria provided, single submitter. Criteria: Invitae Variant Classification Sherloc (09022015). Collection method: clinical testing. Allele origin: germline.
Comment: This sequence change replaces glycine, which is neutral and non-polar, with cysteine, which is neutral and slightly polar, at codon 335 of the CLCN6 protein (p.Gly335Cys). This variant is present in population databases (no rsID available, gnomAD 0.01%). This variant has not been reported in the literature in individuals affected with CLCN6-related conditions. ClinVar contains an entry for this variant (Variation ID: 1520294). An algorithm developed to predict the effect of missense changes on protein structure and function (PolyPhen-2) suggests that this variant is likely to be disruptive. In summary, the available evidence is currently insufficient to determine the role of this variant in disease. Therefore, it has been classified as a Variant of Uncertain Significance.